The following is an entry in ClinVar:

ClinVar aggregate classification (germline): Likely benign (0 of 4 stars; one submission).

Conditions:
HSPG2-related disorder. Also called: HSPG2-related disorders; HSPG2-related condition.

gnomAD v4.1: 8 of 1,595,218 alleles (0.0005%); highest among the groups gnomAD compares: South Asian, 0.0023%; no homozygotes.

Submission:

PreventionGenetics, part of Exact Sciences
Classification: Likely benign for HSPG2-related condition. Last evaluated: 2019-06-19. Review status: no assertion criteria provided. Collection method: clinical testing. Allele origin: germline.
Comment: This variant is classified as likely benign based on ACMG/AMP sequence variant interpretation guidelines (Richards et al. 2015 PMID: 25741868, with internal and published modifications).

NM_005529.7(HSPG2):c.4002C>T (p.Cys1334=)

Gene: HSPG2 (heparan sulfate proteoglycan 2; minus strand). Cytogenetic location: 1p36.12.
Variant type: single nucleotide variant.
Coding change: c.4002C>T on transcript NM_005529.7 (MANE Select); coding-DNA position 4002, C replaced by T.
Protein change: p.Cys1334=; no amino-acid change (cysteine 1334 retained).
Molecular consequence: synonymous variant.
Genome position (GRCh38, 1-based): chr1:21,872,647, G>A on the plus strand (C>T on the coding strand, the complement: HSPG2 is on the minus strand). VCF-style: chr1-21872647-G-A. GRCh37 (hg19) VCF-style: chr1-22199140-G-A.
Other names: c.4005C>T, p.Cys1335= (NM_001291860.2).
Identifiers: ClinVar variation 3352540 (VCV003352540.1).